The following is an entry in ClinVar:

ClinVar aggregate classification (germline): Benign. Review status: criteria provided, multiple submitters, no conflicts (2 of 4 stars). 8 submissions from 4 submitters: Benign (8). Last evaluated 2021-10-25.

Conditions:
Epidermolysis bullosa simplex with nail dystrophy (EBS5D). Identifiers: MedGen C4225309, MONDO:0014661, OMIM 616487.
Autosomal recessive limb-girdle muscular dystrophy type 2Q (LGMDR17). Also called: MUSCULAR DYSTROPHY, LIMB-GIRDLE, AUTOSOMAL RECESSIVE 17. Identifiers: Orphanet 254361, MedGen C3150989, MONDO:0013390, OMIM 613723.
Epidermolysis bullosa simplex 5B, with muscular dystrophy (EBS5B). Also called: Epidermolysis bullosa simplex with muscular dystrophy; EPIDERMOLYSIS BULLOSA SIMPLEX AND LIMB-GIRDLE MUSCULAR DYSTROPHY. Identifiers: Orphanet 257, MedGen C2931072, MONDO:0009181, OMIM 226670.
Epidermolysis bullosa simplex 5C, with pyloric atresia (EBS5C). Also called: Epidermolysis bullosa simplex with pyloric atresia; PLEC-Related Epidermolysis Bullosa with Pyloric Atresia; PLEC1-Related Epidermolysis Bullosa with Pyloric Atresia. Identifiers: Orphanet 158684, MedGen C2677349, MONDO:0012807, OMIM 612138.
Epidermolysis bullosa simplex, Ogna type (EBS5A). Also called: Pidermolysis bullosa simplex 5A, Ogna type; EPIDERMOLYSIS BULLOSA SIMPLEX 5A, OGNA TYPE. Identifiers: Orphanet 79401, MedGen C0432317, MONDO:0007555, OMIM 131950.

Allele frequency attached by ClinVar (database versions not stated): 1000 Genomes Project 30x 0.22377; 1000 Genomes Project 0.22524; TOPMed 0.27249; gnomAD 0.28946 and 0.29126; ESP Exome Variant Server 0.29420; gnomAD exomes 0.33175; ExAC 0.33543.
gnomAD v4.1: 601,726 of 1,609,692 alleles (37%); highest among the groups gnomAD compares: Non-Finnish European, 41%; 118,533 homozygotes.

Submissions (13):

Genome-Nilou Lab
Classification: Benign for Epidermolysis bullosa simplex with nail dystrophy. Last evaluated: 2021-10-25. Review status: criteria provided, single submitter. Criteria: ACMG Guidelines, 2015. Collection method: clinical testing. Allele origin: germline. Affected: no.

Genome-Nilou Lab
Classification: Benign for Epidermolysis bullosa simplex, Ogna type. Last evaluated: 2021-10-25. Review status: criteria provided, single submitter. Criteria: ACMG Guidelines, 2015. Collection method: clinical testing. Allele origin: germline. Affected: no.

Genome-Nilou Lab
Classification: Benign for Epidermolysis bullosa simplex 5B, with muscular dystrophy. Last evaluated: 2021-10-25. Review status: criteria provided, single submitter. Criteria: ACMG Guidelines, 2015. Collection method: clinical testing. Allele origin: germline. Affected: no.

Genome-Nilou Lab
Classification: Benign for Epidermolysis bullosa simplex 5C, with pyloric atresia. Last evaluated: 2021-10-25. Review status: criteria provided, single submitter. Criteria: ACMG Guidelines, 2015. Collection method: clinical testing. Allele origin: germline. Affected: no.

Genome-Nilou Lab
Classification: Benign for Autosomal recessive limb-girdle muscular dystrophy type 2Q. Last evaluated: 2021-10-25. Review status: criteria provided, single submitter. Criteria: ACMG Guidelines, 2015. Collection method: clinical testing. Allele origin: germline. Affected: no.

GeneDx
Classification: Benign. Last evaluated: 2018-06-19. Review status: criteria provided, single submitter. Criteria: GeneDx Variant Classification (06012015). Collection method: clinical testing. Allele origin: germline. Affected: yes.
Comment: This variant is considered likely benign or benign based on one or more of the following criteria: it is a conservative change, it occurs at a poorly conserved position in the protein, it is predicted to be benign by multiple in silico algorithms, and/or has population frequency not consistent with disease.

Breakthrough Genomics
Classification: Benign. Review status: criteria provided, single submitter. Criteria: ACMG Guidelines, 2015. Collection method: not provided. Allele origin: germline. Inheritance: Autosomal recessive inheritance. Affected: yes.

PreventionGenetics, part of Exact Sciences
Classification: Benign. Review status: criteria provided, single submitter. Criteria: ACMG Guidelines, 2015. Collection method: clinical testing. Allele origin: germline.

Dr. Peter K. Rogan Lab, Western University
No classification provided (evidence only). Condition: Malignant lymphoma, large B-cell, diffuse. Review status: no classification provided. Collection method: in vitro. Allele origin: not applicable. Functional consequence: retained intron. Not counted in ClinVar's aggregate classification.

Dr. Peter K. Rogan Lab, Western University
No classification provided (evidence only). Condition: Cholangiocarcinoma. Review status: no classification provided. Collection method: in vitro. Allele origin: not applicable. Functional consequence: retained intron. Not counted in ClinVar's aggregate classification.

Dr. Peter K. Rogan Lab, Western University
No classification provided (evidence only). Condition: Cholangiocarcinoma. Review status: no classification provided. Collection method: in vitro. Allele origin: not applicable. Functional consequence: retained intron. Not counted in ClinVar's aggregate classification.

Dr. Peter K. Rogan Lab, Western University
No classification provided (evidence only). Condition: Cholangiocarcinoma. Review status: no classification provided. Collection method: in vitro. Allele origin: not applicable. Functional consequence: retained intron. Not counted in ClinVar's aggregate classification.

Dr. Peter K. Rogan Lab, Western University
No classification provided (evidence only). Condition: Cholangiocarcinoma. Review status: no classification provided. Collection method: in vitro. Allele origin: not applicable. Functional consequence: retained intron. Not counted in ClinVar's aggregate classification.

NM_201384.3(PLEC):c.2923+37C>T

Gene: PLEC (plectin; minus strand). Cytogenetic location: 8q24.3.
Variant type: single nucleotide variant.
Coding change: c.2923+37C>T on transcript NM_201384.3 (MANE Select); 37 bases into the intron after coding-DNA position 2923, C replaced by T.
Molecular consequence: intron variant.
Genome position (GRCh38, 1-based): chr8:143,929,609, G>A on the plus strand (C>T on the coding strand, the complement: PLEC is on the minus strand). VCF-style: chr8-143929609-G-A. GRCh37 (hg19) VCF-style: chr8-145003777-G-A.
Other names: c.3004+37C>T (NM_000445.5); c.2881+37C>T (NM_201378.4); c.2857+37C>T (NM_201379.3); c.3334+37C>T (NM_201380.4); c.2827+37C>T (NM_201381.3); c.2923+37C>T (NM_201382.4); c.2935+37C>T (NM_201383.3).
Identifiers: ClinVar variation 256173 (VCV000256173.6), dbSNP rs11136335, ClinGen allele CA4927295.